The following is an entry in ClinVar:

NM_020937.4(FANCM):c.5201del (p.Thr1734fs)

Gene: FANCM (FA complementation group M; plus strand). Cytogenetic location: 14q21.2.
Variant type: Deletion.
Coding change: c.5201del on transcript NM_020937.4 (MANE Select); coding-DNA position 5201, one base deleted (C; older notation c.5201delC).
Protein change: p.Thr1734fs; shifts the reading frame from threonine 1734.
Molecular consequence: frameshift variant.
Genome position (GRCh38, 1-based): chr14:45,189,223, C deleted. VCF-style (leftmost placement, unchanged base first): chr14-45189222-AC-A. GRCh37 (hg19) VCF-style: chr14-45658425-AC-A.
Other names: c.5123del, p.Thr1708fs (NM_001308133.2); c.5201del (NM_020937.2); short protein forms T1708fs, T1734fs.
Identifiers: ClinVar variation 1068467 (VCV001068467.8), dbSNP rs2139297782, ClinGen allele CA2499222629.

ClinVar aggregate classification (germline): Pathogenic/Likely pathogenic. Review status: criteria provided, multiple submitters, no conflicts (2 of 4 stars). 2 submissions from 2 submitters: Pathogenic (1); Likely pathogenic (1). Last evaluated 2025-11-11.

Conditions:
Fanconi anemia (FA). Also called: Fanconi's anemia. Identifiers: Orphanet 84, MedGen C0015625, MeSH D005199, MONDO:0019391.

Allele frequency attached by ClinVar (database versions not stated): gnomAD exomes 0.00001.

Submissions (2):

Labcorp Genetics (formerly Invitae), Labcorp
Classification: Pathogenic for Fanconi anemia. Last evaluated: 2025-11-11. Review status: criteria provided, single submitter. Criteria: Invitae Variant Classification Sherloc (09022015). Collection method: clinical testing. Allele origin: germline.
Comment: This sequence change creates a premature translational stop signal (p.Thr1734Asnfs*3) in the FANCM gene. It is expected to result in an absent or disrupted protein product. Loss-of-function variants in FANCM are known to be pathogenic (PMID: 29895858, 30075111). This variant is not present in population databases (gnomAD no frequency). This variant has not been reported in the literature in individuals affected with FANCM-related conditions. ClinVar contains an entry for this variant (Variation ID: 1068467). For these reasons, this variant has been classified as Pathogenic.

GeneDx
Classification: Likely pathogenic. Last evaluated: 2024-02-16. Review status: criteria provided, single submitter. Criteria: GeneDx Variant Classification Process June 2021. Collection method: clinical testing. Allele origin: germline. Affected: yes.
Comment: Frameshift variant predicted to result in protein truncation or nonsense mediated decay in a gene for which loss-of-function is a known mechanism of disease; Not observed at significant frequency in large population cohorts (gnomAD); Has not been previously published as pathogenic or benign to our knowledge

Literature cited by the submitters: PubMed 29895858 (cited by Labcorp Genetics (formerly Invitae), Labcorp); PubMed 30075111 (cited by Labcorp Genetics (formerly Invitae), Labcorp).